The following is an entry in ClinVar:

ClinVar aggregate classification (germline): Uncertain significance (1 of 4 stars; one submission).

Conditions:
3-methylglutaconic aciduria, type VIIB (MGCA7B). Also called: 3-methylglutaconic aciduria with cataracts, neurologic involvement and neutropenia; CLPB Deficiency; 3-methylglutaconic aciduria, type VII, with cataracts, neurologic involvement and neutropenia. Identifiers: Orphanet 445038, MedGen C5676893, MONDO:0014561, OMIM 616271.

Allele frequency attached by ClinVar (database versions not stated): gnomAD exomes below 0.00001; ExAC 0.00001; gnomAD 0.00002; TOPMed 0.00002.
gnomAD v4.1: 18 of 1,614,060 alleles (0.0011%); highest among the groups gnomAD compares: South Asian, 0.0022%; no homozygotes.

Submission:

Labcorp Genetics (formerly Invitae), Labcorp
Classification: Uncertain significance for 3-methylglutaconic aciduria, type VIIB. Last evaluated: 2019-05-13. Review status: criteria provided, single submitter. Criteria: Invitae Variant Classification Sherloc (09022015). Collection method: clinical testing. Allele origin: germline.
Comment: In summary, the available evidence is currently insufficient to determine the role of this variant in disease. Therefore, it has been classified as a Variant of Uncertain Significance. This variant is present in population databases (rs760399999, ExAC 0.002%). Algorithms developed to predict the effect of missense changes on protein structure and function output the following: SIFT: "Tolerated"; PolyPhen-2: "Benign"; Align-GVGD: "Class C0". The histidine amino acid residue is found in multiple mammalian species, suggesting that this missense change does not adversely affect protein function. These predictions have not been confirmed by published functional studies and their clinical significance is uncertain. This variant has not been reported in the literature in individuals with CLPB-related conditions. This sequence change replaces arginine with histidine at codon 518 of the CLPB protein (p.Arg518His). The arginine residue is moderately conserved and there is a small physicochemical difference between arginine and histidine.

NM_001258392.3(CLPB):c.1463G>A (p.Arg488His)

Gene: CLPB (ClpB family mitochondrial disaggregase; minus strand). Cytogenetic location: 11q13.4.
Variant type: single nucleotide variant.
Coding change: c.1463G>A on transcript NM_001258392.3 (MANE Select); coding-DNA position 1463, G replaced by A.
Protein change: p.Arg488His; replaces arginine 488 with histidine.
Molecular consequence: missense variant.
Genome position (GRCh38, 1-based): chr11:72,295,515, C>T on the plus strand (G>A on the coding strand, the complement: CLPB is on the minus strand). VCF-style: chr11-72295515-C-T. GRCh37 (hg19) VCF-style: chr11-72006559-C-T.
Other names: c.1376G>A, p.Arg459His (NM_001258393.3); c.1418G>A, p.Arg473His (NM_001258394.3); c.1553G>A, p.Arg518His (NM_030813.6); short protein forms R473H, R518H, R459H, R488H.
Identifiers: ClinVar variation 862909 (VCV000862909.10), dbSNP rs760399999, ClinGen allele CA6171165.
Genomic context (GRCh38, chr11:72,295,515, plus strand): 5'-GGTCACTGGACCAGACTGCTCAGGTCAGCCGCCATACCCAGGTTTTCGGCAATACGGTTA[C>T]GGCTCATCTCCAAAGCTTCCTGCCTCAGCTGCAGCGCGTGCTGTGCGATCTCGTCGCTGG-3'
Protein context (NP_001245321.1, residues 478-498): QLRQEALEMS[Arg488His]NRIAENLGDV